The following is an entry in ClinVar:

ClinVar aggregate classification (germline): Uncertain significance (1 of 4 stars; one submission).

Conditions:
Hereditary sensory and autonomic neuropathy type 1 (HSAN1). Also called: HSAN 1; HSN Type I; Hereditary Sensory Neuropathy Type I. Identifiers: Orphanet 36386, MedGen C0020071, MONDO:0018213.

Submission:

Labcorp Genetics (formerly Invitae), Labcorp
Classification: Uncertain significance for Hereditary sensory and autonomic neuropathy type 1. Last evaluated: 2020-02-28. Review status: criteria provided, single submitter. Criteria: Invitae Variant Classification Sherloc (09022015). Collection method: clinical testing. Allele origin: germline.
Comment: This variant is not present in population databases (ExAC no frequency). This sequence change replaces threonine with alanine at codon 238 of the SPTLC1 protein (p.Thr238Ala). The threonine residue is moderately conserved and there is a small physicochemical difference between threonine and alanine. This variant has not been reported in the literature in individuals with SPTLC1-related conditions. Algorithms developed to predict the effect of missense changes on protein structure and function are either unavailable or do not agree on the potential impact of this missense change (SIFT: "Tolerated"; PolyPhen-2: "Possibly Damaging"; Align-GVGD: "Class C0"). In summary, the available evidence is currently insufficient to determine the role of this variant in disease. Therefore, it has been classified as a Variant of Uncertain Significance.

NM_006415.4(SPTLC1):c.712A>G (p.Thr238Ala)

Gene: SPTLC1 (serine palmitoyltransferase long chain base subunit 1; minus strand). Cytogenetic location: 9q22.31.
Variant type: single nucleotide variant.
Coding change: c.712A>G on transcript NM_006415.4 (MANE Select); coding-DNA position 712, A replaced by G.
Protein change: p.Thr238Ala; replaces threonine 238 with alanine.
Molecular consequence: missense variant.
Genome position (GRCh38, 1-based): chr9:92,055,473, T>C on the plus strand (A>G on the coding strand, the complement: SPTLC1 is on the minus strand). VCF-style: chr9-92055473-T-C. GRCh37 (hg19) VCF-style: chr9-94817755-T-C.
Other names: c.712A>G, p.Thr238Ala (NM_001281303.2); c.346A>G, p.Thr116Ala (NM_001368272.1); c.247A>G, p.Thr83Ala (NM_001368273.1); short protein forms T116A, T238A, T83A.
Identifiers: ClinVar variation 1020665 (VCV001020665.8), dbSNP rs1833857483, ClinGen allele CA373795285.